The following is an entry in ClinVar:

NM_018557.3(LRP1B):c.11227G>A (p.Gly3743Ser)

Gene: LRP1B (LDL receptor related protein 1B; minus strand). Cytogenetic location: 2q22.1.
Variant type: single nucleotide variant.
Coding change: c.11227G>A on transcript NM_018557.3 (MANE Select); coding-DNA position 11227, G replaced by A.
Protein change: p.Gly3743Ser; replaces glycine 3743 with serine.
Molecular consequence: missense variant.
Genome position (GRCh38, 1-based): chr2:140,358,851, C>T on the plus strand (G>A on the coding strand, the complement: LRP1B is on the minus strand). VCF-style: chr2-140358851-C-T. GRCh37 (hg19) VCF-style: chr2-141116420-C-T.
Other names: short protein forms G3743S.
Identifiers: ClinVar variation 772850 (VCV000772850.30), dbSNP rs150879175, ClinGen allele CA1893150.

ClinVar aggregate classification (germline): Benign/Likely benign. Review status: criteria provided, multiple submitters, no conflicts (2 of 4 stars). 5 submissions from 5 submitters: Benign (2); Likely benign (2). 1 of the submissions does not count toward it. Last evaluated 2025-08-18.

Conditions:
LRP1B-related disorder. Also called: LRP1B-related condition.

Allele frequency attached by ClinVar (database versions not stated): 1000 Genomes Project 0.00200; 1000 Genomes Project 30x 0.00203; ESP Exome Variant Server 0.00454; gnomAD 0.00573 and 0.00590; TOPMed 0.00606; gnomAD exomes 0.00691; ExAC 0.00756.
gnomAD v4.1: 12,303 of 1,608,704 alleles (0.76%); highest among the groups gnomAD compares: Middle Eastern, 0.95%; 67 homozygotes.

Submissions (5):

Genomic Medicine Center of Excellence, King Faisal Specialist Hospital and Research Centre
Classification: Likely benign. Last evaluated: 2025-08-18. Review status: criteria provided, single submitter. Criteria: ACMG Guidelines, 2015. Collection method: clinical testing. Allele origin: germline.

CeGaT Center for Human Genetics Tuebingen
Classification: Likely benign. Last evaluated: 2024-10-01. Review status: criteria provided, single submitter. Criteria: CeGaT Center For Human Genetics Tuebingen Variant Classification Criteria Version 2. Collection method: clinical testing. Allele origin: germline. Affected: yes. Observed: 5 variant alleles.
Comment: LRP1B: BS2

Labcorp Genetics (formerly Invitae), Labcorp
Classification: Benign. Last evaluated: 2019-12-31. Review status: criteria provided, single submitter. Criteria: Invitae Variant Classification Sherloc (09022015). Collection method: clinical testing. Allele origin: germline.

Breakthrough Genomics
Classification: Benign. Review status: criteria provided, single submitter. Criteria: ACMG Guidelines, 2015. Collection method: not provided. Allele origin: germline. Inheritance: Unknown mechanism. Affected: yes.

PreventionGenetics, part of Exact Sciences
Classification: Benign for LRP1B-related condition. Last evaluated: 2019-03-06. Review status: no assertion criteria provided. Collection method: clinical testing. Allele origin: germline. Not counted in ClinVar's aggregate classification.
Comment: This variant is classified as benign based on ACMG/AMP sequence variant interpretation guidelines (Richards et al. 2015 PMID: 25741868, with internal and published modifications).